The following is an entry in ClinVar:

NM_015909.4(NBAS):c.3239C>T (p.Thr1080Met)

Gene: NBAS (NBAS subunit of NRZ tethering complex; minus strand). Cytogenetic location: 2p24.3.
Variant type: single nucleotide variant.
Coding change: c.3239C>T on transcript NM_015909.4 (MANE Select); coding-DNA position 3239, C replaced by T.
Protein change: p.Thr1080Met; replaces threonine 1080 with methionine.
Molecular consequence: missense variant. On other transcripts: non-coding transcript variant (1).
Genome position (GRCh38, 1-based): chr2:15,394,245, G>A on the plus strand (C>T on the coding strand, the complement: NBAS is on the minus strand). VCF-style: chr2-15394245-G-A. GRCh37 (hg19) VCF-style: chr2-15534369-G-A.
Other names: short protein forms T1080M.
Identifiers: ClinVar variation 1432616 (VCV001432616.6), dbSNP rs1264554566, ClinGen allele CA345880517.
Genomic context (GRCh38, chr2:15,394,245, plus strand): 5'-TAAAATTAATTGACCCAAGTATCAATTAATTTTATTACTCACTTCCGGCCAGTGTGCCTC[G>A]TCAATCTAACCATCAGCTTGCGTGCCTCTTCTGAGCTAGATTGAGTGTTTTTAACAAATG-3'
Protein context (NP_056993.2, residues 1070-1090): EEARKLMVRL[Thr1080Met]RHTGRKQPPV

ClinVar aggregate classification (germline): Uncertain significance (1 of 4 stars; one submission).

Allele frequency attached by ClinVar (database versions not stated): gnomAD 0.00001; gnomAD exomes 0.00001 and 0.00002; TOPMed 0.00002.
gnomAD v4.1: 18 of 1,610,336 alleles (0.0011%); highest among the groups gnomAD compares: Middle Eastern, 0.017%; no homozygotes.

Submission:

Labcorp Genetics (formerly Invitae), Labcorp
Classification: Uncertain significance. Last evaluated: 2022-05-27. Review status: criteria provided, single submitter. Criteria: Invitae Variant Classification Sherloc (09022015). Collection method: clinical testing. Allele origin: germline.
Comment: In summary, the available evidence is currently insufficient to determine the role of this variant in disease. Therefore, it has been classified as a Variant of Uncertain Significance. Algorithms developed to predict the effect of missense changes on protein structure and function (SIFT, PolyPhen-2, Align-GVGD) all suggest that this variant is likely to be disruptive. This variant has not been reported in the literature in individuals affected with NBAS-related conditions. This variant is present in population databases (no rsID available, gnomAD 0.003%). This sequence change replaces threonine, which is neutral and polar, with methionine, which is neutral and non-polar, at codon 1080 of the NBAS protein (p.Thr1080Met).